The following is an entry in ClinVar:

NM_015338.6(ASXL1):c.848A>G (p.Gln283Arg)

Gene: ASXL1 (ASXL transcriptional regulator 1; plus strand). Cytogenetic location: 20q11.21.
Variant type: single nucleotide variant.
Coding change: c.848A>G on transcript NM_015338.6 (MANE Select); coding-DNA position 848, A replaced by G.
Protein change: p.Gln283Arg; replaces glutamine 283 with arginine.
Molecular consequence: missense variant.
Genome position (GRCh38, 1-based): chr20:32,431,450, A>G. VCF-style: chr20-32431450-A-G. GRCh37 (hg19) VCF-style: chr20-31019253-A-G.
Other names: c.665A>G, p.Gln222Arg (NM_001363734.1); short protein forms Q222R, Q283R.
Identifiers: ClinVar variation 3957388 (VCV003957388.1).

ClinVar aggregate classification (germline): Uncertain significance (1 of 4 stars; one submission).

Conditions:
Inborn genetic diseases. Identifiers: MedGen C0950123, MeSH D030342.

Submission:

Ambry Genetics
Classification: Uncertain significance for Inborn genetic diseases. Last evaluated: 2025-05-29. Review status: criteria provided, single submitter. Criteria: Ambry Variant Classification Scheme 2023. Collection method: clinical testing. Allele origin: germline.
Comment: The p.Q283R variant (also known as c.848A>G), located in coding exon 9 of the ASXL1 gene, results from an A to G substitution at nucleotide position 848. The glutamine at codon 283 is replaced by arginine, an amino acid with highly similar properties. This amino acid position is conserved. In addition, this alteration is predicted to be tolerated by in silico analysis. Based on the available evidence, the clinical significance of this variant remains unclear.